The following is an entry in ClinVar:

NM_022489.4(INF2):c.37G>T (p.Ala13Ser)

Gene: INF2 (inverted formin 2; plus strand). Cytogenetic location: 14q32.33.
Variant type: single nucleotide variant.
Coding change: c.37G>T on transcript NM_022489.4 (MANE Select); coding-DNA position 37, G replaced by T.
Protein change: p.Ala13Ser; replaces alanine 13 with serine.
Molecular consequence: missense variant. On other transcripts: non-coding transcript variant (1).
Genome position (GRCh38, 1-based): chr14:104,701,402, G>T. VCF-style: chr14-104701402-G-T. GRCh37 (hg19) VCF-style: chr14-105167739-G-T.
Other names: c.37G>T, p.Ala13Ser (NM_001031714.4, NM_001426862.1, NM_001426863.1 and 6 more transcripts); short protein forms A13S.
Identifiers: ClinVar variation 3748128 (VCV003748128.2).
Genomic context (GRCh38, chr14:104,701,402, plus strand): 5'-GCCCTCTGCCTGCAGCTCGGCAAGATGTCGGTGAAGGAGGGCGCACAGCGCAAGTGGGCA[G>T]CGCTGAAGGAGAAGCTGGGGCCACAGGATTCGGACCCCACGGAGGCCAACCTGGAGAGCG-3'
Protein context (NP_071934.3, residues 3-23): VKEGAQRKWA[Ala13Ser]LKEKLGPQDS

ClinVar aggregate classification (germline): Uncertain significance (1 of 4 stars; one submission).

Conditions:
Focal segmental glomerulosclerosis 5 (FSGS5). Identifiers: Orphanet 656, MedGen C2750475, MONDO:0013191, OMIM 613237.
Charcot-Marie-Tooth disease dominant intermediate E. Also called: CHARCOT-MARIE-TOOTH NEUROPATHY WITH FOCAL SEGMENTAL GLOMERULONEPHRITIS. Identifiers: Orphanet 93114, MedGen C4302667, MONDO:0013758, OMIM 614455.

Submission:

Labcorp Genetics (formerly Invitae), Labcorp
Classification: Uncertain significance for Charcot-Marie-Tooth disease dominant intermediate E; Focal segmental glomerulosclerosis 5. Last evaluated: 2024-06-25. Review status: criteria provided, single submitter. Criteria: Invitae Variant Classification Sherloc (09022015). Collection method: clinical testing. Allele origin: germline.
Comment: This sequence change replaces alanine, which is neutral and non-polar, with serine, which is neutral and polar, at codon 13 of the INF2 protein (p.Ala13Ser). This variant is not present in population databases (gnomAD no frequency). This variant has not been reported in the literature in individuals affected with INF2-related conditions. Advanced modeling of protein sequence and biophysical properties (such as structural, functional, and spatial information, amino acid conservation, physicochemical variation, residue mobility, and thermodynamic stability) performed at Invitae indicates that this missense variant is not expected to disrupt INF2 protein function with a negative predictive value of 95%. In summary, the available evidence is currently insufficient to determine the role of this variant in disease. Therefore, it has been classified as a Variant of Uncertain Significance.